The following is an entry in ClinVar:

ClinVar aggregate classification (germline): Pathogenic (1 of 4 stars; one submission).

Allele frequency attached by ClinVar (database versions not stated): gnomAD exomes below 0.00001.
gnomAD v4.1: 1 of 1,614,074 alleles (0.000062%); highest among the groups gnomAD compares: Non-Finnish European, 0.000085%; no homozygotes.

Submission:

Labcorp Genetics (formerly Invitae), Labcorp
Classification: Pathogenic. Last evaluated: 2023-07-10. Review status: criteria provided, single submitter. Criteria: Invitae Variant Classification Sherloc (09022015). Collection method: clinical testing. Allele origin: germline.
Comment: This variant has not been reported in the literature in individuals affected with USH2A-related conditions. For these reasons, this variant has been classified as Pathogenic. ClinVar contains an entry for this variant (Variation ID: 1074519). This variant is not present in population databases (gnomAD no frequency). This sequence change creates a premature translational stop signal (p.Tyr1335*) in the USH2A gene. It is expected to result in an absent or disrupted protein product. Loss-of-function variants in USH2A are known to be pathogenic (PMID: 10729113, 10909849, 20507924, 25649381).

Literature cited by the submitters: PubMed 10729113; PubMed 10909849; PubMed 20507924; PubMed 25649381.

NM_206933.4(USH2A):c.4005T>G (p.Tyr1335Ter)

Genes: USH2A (usherin; minus strand), USH2A-AS1 (USH2A antisense RNA 1; plus strand). Cytogenetic location: 1q41.
Variant type: single nucleotide variant.
Coding change: c.4005T>G on transcript NM_206933.4 (MANE Select); coding-DNA position 4005, T replaced by G.
Protein change: p.Tyr1335Ter; replaces tyrosine 1335 with a stop codon.
Molecular consequence: nonsense.
Genome position (GRCh38, 1-based): chr1:216,198,391, A>C on the plus strand (T>G on the coding strand, the complement: USH2A is on the minus strand). VCF-style: chr1-216198391-A-C. GRCh37 (hg19) VCF-style: chr1-216371733-A-C.
Other names: c.4005T>G, p.Tyr1335Ter (NM_007123.6); short protein forms Y1335*.
Identifiers: ClinVar variation 1074519 (VCV001074519.7), dbSNP rs2034901738, ClinGen allele CA344867004.